The following is an entry in ClinVar:

ClinVar aggregate classification (germline): Benign/Likely benign. Review status: criteria provided, multiple submitters, no conflicts (2 of 4 stars). 5 submissions from 5 submitters: Benign (1); Likely benign (3). 1 of the submissions does not count toward it. Last evaluated 2026-01-13.

Conditions:
PNPT1-related disorder. Also called: PNPT1-related condition; PNPT1-related disorders.

Allele frequency attached by ClinVar (database versions not stated): gnomAD exomes 0.00008 and 0.00018; ExAC 0.00024; ESP Exome Variant Server 0.00046; TOPMed 0.00050; gnomAD 0.00056 and 0.00058; 1000 Genomes Project 30x 0.00109; 1000 Genomes Project 0.00140.
gnomAD v4.1: 224 of 1,614,158 alleles (0.014%); highest among the groups gnomAD compares: African/African-American, 0.23%; 2 homozygotes.

Submissions (5):

Labcorp Genetics (formerly Invitae), Labcorp
Classification: Benign. Last evaluated: 2026-01-13. Review status: criteria provided, single submitter. Criteria: Invitae Variant Classification Sherloc (09022015). Collection method: clinical testing. Allele origin: germline.

CeGaT Center for Human Genetics Tuebingen
Classification: Likely benign. Last evaluated: 2025-06-01. Review status: criteria provided, single submitter. Criteria: CeGaT Center For Human Genetics Tuebingen Variant Classification Criteria Version 2. Collection method: clinical testing. Allele origin: germline. Affected: yes. Observed: 2 variant alleles.
Comment: PNPT1: BP4

Blueprint Genetics
Classification: Likely benign. Last evaluated: 2024-11-11. Review status: criteria provided, single submitter. Criteria: ACMG Guidelines, 2015. Collection method: clinical testing. Allele origin: germline.

GeneDx
Classification: Likely benign. Last evaluated: 2018-04-10. Review status: criteria provided, single submitter. Criteria: GeneDx Variant Classification (06012015). Collection method: clinical testing. Allele origin: germline. Affected: yes.
Comment: This variant is considered likely benign or benign based on one or more of the following criteria: it is a conservative change, it occurs at a poorly conserved position in the protein, it is predicted to be benign by multiple in silico algorithms, and/or has population frequency not consistent with disease.

PreventionGenetics, part of Exact Sciences
Classification: Likely benign for PNPT1-related condition. Last evaluated: 2019-12-30. Review status: no assertion criteria provided. Collection method: clinical testing. Allele origin: germline. Not counted in ClinVar's aggregate classification.
Comment: This variant is classified as likely benign based on ACMG/AMP sequence variant interpretation guidelines (Richards et al. 2015 PMID: 25741868, with internal and published modifications).

NM_033109.5(PNPT1):c.161+6G>C

Gene: PNPT1 (polyribonucleotide nucleotidyltransferase 1; minus strand). Cytogenetic location: 2p16.1.
Variant type: single nucleotide variant.
Coding change: c.161+6G>C on transcript NM_033109.5 (MANE Select); 6 bases into the intron after coding-DNA position 161, G replaced by C.
Molecular consequence: intron variant.
Genome position (GRCh38, 1-based): chr2:55,693,657, C>G on the plus strand (G>C on the coding strand, the complement: PNPT1 is on the minus strand). VCF-style: chr2-55693657-C-G. GRCh37 (hg19) VCF-style: chr2-55920792-C-G.
Identifiers: ClinVar variation 681164 (VCV000681164.20), dbSNP rs146068304, ClinGen allele CA1668619.
Genomic context (GRCh38, chr2:55,693,657, plus strand): 5'-GAATACGCTCAAGCTGGCTGGACAAGACACCTTATGACAATACAGTGAACGCACGTCACT[C>G]CTTACCTGTTGCCTAAGTCCACGGCCACAGCTCGAGACCCTGCGCTACTCCATAGTGCTC-3'